The following is an entry in ClinVar:

NM_001039.4(SCNN1G):c.1741T>C (p.Cys581Arg)

Gene: SCNN1G (sodium channel epithelial 1 subunit gamma; plus strand). Cytogenetic location: 16p12.2.
Variant type: single nucleotide variant.
Coding change: c.1741T>C on transcript NM_001039.4 (MANE Select); coding-DNA position 1741, T replaced by C.
Protein change: p.Cys581Arg; replaces cysteine 581 with arginine.
Molecular consequence: missense variant.
Genome position (GRCh38, 1-based): chr16:23,215,260, T>C. VCF-style: chr16-23215260-T-C. GRCh37 (hg19) VCF-style: chr16-23226581-T-C.
Other names: short protein forms C581R.
Identifiers: ClinVar variation 2413679 (VCV002413679.6), dbSNP rs752680757, ClinGen allele CA7959964.

ClinVar aggregate classification (germline): Uncertain significance (1 of 4 stars; one submission).

Allele frequency attached by ClinVar (database versions not stated): TOPMed 0.00004; gnomAD 0.00005; gnomAD exomes 0.00005; ExAC 0.00007.
gnomAD v4.1: 80 of 1,614,040 alleles (0.005%); highest among the groups gnomAD compares: Non-Finnish European, 0.0045%; no homozygotes.

Submission:

Labcorp Genetics (formerly Invitae), Labcorp
Classification: Uncertain significance. Last evaluated: 2023-08-30. Review status: criteria provided, single submitter. Criteria: Invitae Variant Classification Sherloc (09022015). Collection method: clinical testing. Allele origin: germline.
Comment: This sequence change replaces cysteine, which is neutral and slightly polar, with arginine, which is basic and polar, at codon 581 of the SCNN1G protein (p.Cys581Arg). This variant is present in population databases (rs752680757, gnomAD 0.01%). This missense change has been observed in individual(s) with SCNN1G-related conditions (PMID: 9576123). This variant is also known as Cys582Arg. ClinVar contains an entry for this variant (Variation ID: 2413679). An algorithm developed to predict the effect of missense changes on protein structure and function (PolyPhen-2) suggests that this variant is likely to be tolerated. In summary, the available evidence is currently insufficient to determine the role of this variant in disease. Therefore, it has been classified as a Variant of Uncertain Significance.

Literature cited by the submitters: PubMed 9576123.